The following is an entry in ClinVar:

ClinVar aggregate classification (germline): Uncertain significance (1 of 4 stars; one submission).

Conditions:
Cowden syndrome 6 (CWS6). Identifiers: Orphanet 201, MedGen C3554519, MONDO:0014048, OMIM 615109.

Allele frequency attached by ClinVar (database versions not stated): TOPMed below 0.00001; gnomAD 0.00001; ESP Exome Variant Server 0.00008.
gnomAD v4.1: 34 of 1,613,806 alleles (0.0021%); highest among the groups gnomAD compares: Non-Finnish European, 0.0029%; no homozygotes.

Submission:

Labcorp Genetics (formerly Invitae), Labcorp
Classification: Uncertain significance for Cowden syndrome 6. Last evaluated: 2020-11-24. Review status: criteria provided, single submitter. Criteria: Invitae Variant Classification Sherloc (09022015). Collection method: clinical testing. Allele origin: germline.
Comment: In summary, the available evidence is currently insufficient to determine the role of this variant in disease. Therefore, it has been classified as a Variant of Uncertain Significance. Nucleotide substitutions within the consensus splice site are a relatively common cause of aberrant splicing (PMID: 17576681, 9536098). Algorithms developed to predict the effect of sequence changes on RNA splicing suggest that this variant may disrupt the consensus splice site, but this prediction has not been confirmed by published transcriptional studies. This variant has not been reported in the literature in individuals with AKT1-related conditions. This variant is present in population databases (rs373741434, ExAC 0.003%). This sequence change falls in intron 6 of the AKT1 gene. It does not directly change the encoded amino acid sequence of the AKT1 protein, but it affects a nucleotide within the consensus splice site of the intron.

Literature cited by the submitters: PubMed 17576681; PubMed 9536098.

NM_001382430.1(AKT1):c.567+5G>T

Gene: AKT1 (AKT serine/threonine kinase 1; minus strand). Cytogenetic location: 14q32.33.
Variant type: single nucleotide variant.
Coding change: c.567+5G>T on transcript NM_001382430.1 (MANE Select); 5 bases into the intron after coding-DNA position 567, G replaced by T.
Molecular consequence: intron variant.
Genome position (GRCh38, 1-based): chr14:104,775,071, C>A on the plus strand (G>T on the coding strand, the complement: AKT1 is on the minus strand). VCF-style: chr14-104775071-C-A. GRCh37 (hg19) VCF-style: chr14-105241408-C-A.
Other names: c.567+5G>T (NM_001014431.2, NM_001014432.2, NM_001382433.1 and 3 more transcripts).
Identifiers: ClinVar variation 1014444 (VCV001014444.6), dbSNP rs373741434, ClinGen allele CA7374756.
Genomic context (GRCh38, chr14:104,775,071, plus strand): 5'-GCAGGGCTGGGTGAGCTGCCACCCCGCACCCTCATCTCCACCCTGCCCCACCGCCCCGGC[C>A]CCACCTTGGCCACGATGACTTCCTTCTTGAGGATCTTCATGGCGTAGTAGCGGCCTGTGG-3'